The following is an entry in ClinVar:

ClinVar aggregate classification (germline): Likely pathogenic (1 of 4 stars; one submission).

Submission:

Labcorp Genetics (formerly Invitae), Labcorp
Classification: Likely pathogenic. Last evaluated: 2023-07-17. Review status: criteria provided, single submitter. Criteria: Invitae Variant Classification Sherloc (09022015). Collection method: clinical testing. Allele origin: germline.
Comment: In summary, the currently available evidence indicates that the variant is pathogenic, but additional data are needed to prove that conclusively. Therefore, this variant has been classified as Likely Pathogenic. Algorithms developed to predict the effect of sequence changes on RNA splicing suggest that this variant may disrupt the consensus splice site. ClinVar contains an entry for this variant (Variation ID: 2034302). This variant has not been reported in the literature in individuals affected with SZT2-related conditions. This variant is not present in population databases (gnomAD no frequency). This sequence change affects an acceptor splice site in intron 6 of the SZT2 gene. It is expected to disrupt RNA splicing. Variants that disrupt the donor or acceptor splice site typically lead to a loss of protein function (PMID: 16199547), and loss-of-function variants in SZT2 are known to be pathogenic (PMID: 23932106, 27248490, 28556953).

Literature cited by the submitters: PubMed 16199547; PubMed 23932106; PubMed 27248490; PubMed 28556953.

NM_001365999.1(SZT2):c.773-2A>G

Gene: SZT2 (SZT2 subunit of KICSTOR complex; plus strand). Cytogenetic location: 1p34.2.
Variant type: single nucleotide variant.
Coding change: c.773-2A>G on transcript NM_001365999.1 (MANE Select); the canonical splice acceptor site of the intron before coding-DNA position 773, A replaced by G.
Molecular consequence: splice acceptor variant.
Genome position (GRCh38, 1-based): chr1:43,416,533, A>G. VCF-style: chr1-43416533-A-G. GRCh37 (hg19) VCF-style: chr1-43882204-A-G.
Other names: c.773-2A>G (NM_015284.4).
Identifiers: ClinVar variation 2034302 (VCV002034302.4), dbSNP rs2545794997, ClinGen allele CA340003052.